The following is an entry in ClinVar:

NM_000245.4(MET):c.2254T>C (p.Ser752Pro)

Gene: MET (MET proto-oncogene, receptor tyrosine kinase; plus strand). Cytogenetic location: 7q31.2.
Variant type: single nucleotide variant.
Coding change: c.2254T>C on transcript NM_000245.4 (MANE Select); coding-DNA position 2254, T replaced by C.
Protein change: p.Ser752Pro; replaces serine 752 with proline.
Molecular consequence: missense variant.
Genome position (GRCh38, 1-based): chr7:116,758,610, T>C. VCF-style: chr7-116758610-T-C. GRCh37 (hg19) VCF-style: chr7-116398664-T-C.
Other names: c.2254T>C, p.Ser752Pro (NM_001127500.3, NM_001324401.3); c.964T>C, p.Ser322Pro (NM_001324402.2); short protein forms S322P, S752P.
Identifiers: ClinVar variation 4053976 (VCV004053976.1).

ClinVar aggregate classification (germline): Uncertain significance (1 of 4 stars; one submission).

Conditions:
Hereditary cancer-predisposing syndrome. Also called: Neoplastic Syndromes, Hereditary; Tumor predisposition; Hereditary neoplastic syndrome; Hereditary Cancer Syndrome. Identifiers: Orphanet 140162, MedGen C0027672, MeSH D009386, MONDO:0015356.

Submission:

Ambry Genetics
Classification: Uncertain significance for Hereditary cancer-predisposing syndrome. Last evaluated: 2025-06-03. Review status: criteria provided, single submitter. Criteria: Ambry Variant Classification Scheme 2023. Collection method: clinical testing. Allele origin: germline.
Comment: The p.S752P variant (also known as c.2254T>C), located in coding exon 8 of the MET gene, results from a T to C substitution at nucleotide position 2254. The serine at codon 752 is replaced by proline, an amino acid with similar properties. This amino acid position is highly conserved in available vertebrate species. In addition, this alteration is predicted to be deleterious by in silico analysis. Based on the available evidence, the clinical significance of this variant remains unclear.